The following is an entry in ClinVar:

ClinVar aggregate classification (germline): Benign (1 of 4 stars; one submission).

Conditions:
Erythrocytosis, familial, 4 (ECYT4). Identifiers: Orphanet 247511, MedGen C2673187, MONDO:0012729, OMIM 611783.

Allele frequency attached by ClinVar (database versions not stated): gnomAD 0.03768 and 0.04042; TOPMed 0.04262; 1000 Genomes Project 0.04573; 1000 Genomes Project 30x 0.04856.

Submission:

Illumina Laboratory Services, Illumina
Classification: Benign for Erythrocytosis, familial, 4. Last evaluated: 2018-01-13. Review status: criteria provided, single submitter. Criteria: ICSL Variant Classification Criteria 13 December 2019. Collection method: clinical testing. Allele origin: germline.
Comment: This variant was observed in the ICSL laboratory as part of a predisposition screen in an ostensibly healthy population. It had not been previously curated by ICSL or reported in the Human Gene Mutation Database (HGMD: prior to June 1st, 2018), and was therefore a candidate for classification through an automated scoring system. Utilizing variant allele frequency, disease prevalence and penetrance estimates, and inheritance mode, an automated score was calculated to assess if this variant is too frequent to cause the disease. Based on the score and internal cut-off values, a variant classified as benign is not then subjected to further curation. The score for this variant resulted in a classification of benign for this disease.

NM_001430.5(EPAS1):c.*1276G>A

Gene: EPAS1 (endothelial PAS domain protein 1; plus strand). Cytogenetic location: 2p21.
Variant type: single nucleotide variant.
Coding change: c.*1276G>A on transcript NM_001430.5 (MANE Select); 1276 bases downstream of the stop codon, G replaced by A.
Molecular consequence: 3 prime UTR variant.
Genome position (GRCh38, 1-based): chr2:46,385,936, G>A. VCF-style: chr2-46385936-G-A. GRCh37 (hg19) VCF-style: chr2-46613075-G-A.
Identifiers: ClinVar variation 336313 (VCV000336313.5), dbSNP rs1868091, ClinGen allele CA10613511.